The following is an entry in ClinVar:

NM_152641.4(ARID2):c.1571C>T (p.Ala524Val)

Gene: ARID2 (AT-rich interaction domain 2; plus strand). Cytogenetic location: 12q12.
Variant type: single nucleotide variant.
Coding change: c.1571C>T on transcript NM_152641.4 (MANE Select); coding-DNA position 1571, C replaced by T.
Protein change: p.Ala524Val; replaces alanine 524 with valine.
Molecular consequence: missense variant.
Genome position (GRCh38, 1-based): chr12:45,846,928, C>T. VCF-style: chr12-45846928-C-T. GRCh37 (hg19) VCF-style: chr12-46240711-C-T.
Other names: c.1571C>T, p.Ala524Val (NM_001347839.2); short protein forms A524V.
Identifiers: ClinVar variation 2633146 (VCV002633146.2), dbSNP rs1338176527, ClinGen allele CA384463422.

ClinVar aggregate classification (germline): Uncertain significance (1 of 4 stars; one submission).

Conditions:
ARID2-related disorder. Also called: ARID2-related condition.

Submission:

PreventionGenetics, part of Exact Sciences
Classification: Uncertain significance for ARID2-related condition. Last evaluated: 2025-07-11. Review status: criteria provided, single submitter. Criteria: ACMG Guidelines, 2015. Collection method: clinical testing. Allele origin: germline.
Comment: The ARID2 c.1571C>T variant is predicted to result in the amino acid substitution p.Ala524Val. To our knowledge, this variant has not been reported in the literature or in a large population database (gnomAD), indicating this variant is rare. At this time, the clinical significance of this variant is uncertain due to the absence of conclusive functional and genetic evidence.